The following is an entry in ClinVar:

ClinVar aggregate classification (germline): Uncertain significance. Review status: criteria provided, multiple submitters, no conflicts (2 of 4 stars). 2 submissions from 2 submitters: Uncertain significance (2). Last evaluated 2025-06-06.

Conditions:
Renal cell carcinoma. Identifiers: Orphanet 217071, MedGen C0007134, MeSH D002292, MONDO:0005086, HP:0005584.
Hereditary cancer-predisposing syndrome. Also called: Neoplastic Syndromes, Hereditary; Tumor predisposition; Hereditary Cancer Syndrome; Hereditary neoplastic syndrome. Identifiers: Orphanet 140162, MedGen C0027672, MeSH D009386, MONDO:0015356.

Allele frequency attached by ClinVar (database versions not stated): gnomAD exomes below 0.00001; TOPMed below 0.00001.
gnomAD v4.1: 1 of 1,613,922 alleles (0.000062%); highest among the groups gnomAD compares: South Asian, 0.0011%; no homozygotes.

Submissions (2):

Ambry Genetics
Classification: Uncertain significance for Hereditary cancer-predisposing syndrome. Last evaluated: 2025-06-06. Review status: criteria provided, single submitter. Criteria: Ambry Variant Classification Scheme 2023. Collection method: clinical testing. Allele origin: germline.
Comment: The p.S1006N variant (also known as c.3017G>A), located in coding exon 13 of the MET gene, results from a G to A substitution at nucleotide position 3017. The serine at codon 1006 is replaced by asparagine, an amino acid with highly similar properties. This amino acid position is highly conserved in available vertebrate species. In addition, this alteration is predicted to be tolerated by in silico analysis. Since supporting evidence is limited at this time, the clinical significance of this alteration remains unclear.

Labcorp Genetics (formerly Invitae), Labcorp
Classification: Uncertain significance for Renal cell carcinoma. Last evaluated: 2024-03-29. Review status: criteria provided, single submitter. Criteria: Invitae Variant Classification Sherloc (09022015). Collection method: clinical testing. Allele origin: germline.
Comment: This sequence change replaces serine, which is neutral and polar, with asparagine, which is neutral and polar, at codon 1006 of the MET protein (p.Ser1006Asn). This variant is not present in population databases (gnomAD no frequency). This variant has not been reported in the literature in individuals affected with MET-related conditions. ClinVar contains an entry for this variant (Variation ID: 1798868). Advanced modeling of protein sequence and biophysical properties (such as structural, functional, and spatial information, amino acid conservation, physicochemical variation, residue mobility, and thermodynamic stability) performed at Invitae indicates that this missense variant is not expected to disrupt MET protein function with a negative predictive value of 80%. In summary, the available evidence is currently insufficient to determine the role of this variant in disease. Therefore, it has been classified as a Variant of Uncertain Significance.

NM_000245.4(MET):c.2963G>A (p.Ser988Asn)

Gene: MET (MET proto-oncogene, receptor tyrosine kinase; plus strand). Cytogenetic location: 7q31.2.
Variant type: single nucleotide variant.
Coding change: c.2963G>A on transcript NM_000245.4 (MANE Select); coding-DNA position 2963, G replaced by A.
Protein change: p.Ser988Asn; replaces serine 988 with asparagine.
Molecular consequence: missense variant.
Genome position (GRCh38, 1-based): chr7:116,771,924, G>A. VCF-style: chr7-116771924-G-A. GRCh37 (hg19) VCF-style: chr7-116411978-G-A.
Other names: c.3017G>A, p.Ser1006Asn (NM_001127500.3); c.1673G>A, p.Ser558Asn (NM_001324402.2); short protein forms S1006N, S988N, S558N.
Identifiers: ClinVar variation 1798868 (VCV001798868.5), dbSNP rs1794848550, ClinGen allele CA368987225.